The following is an entry in ClinVar:

ClinVar aggregate classification (germline): Uncertain significance. Review status: criteria provided, multiple submitters, no conflicts (2 of 4 stars). 3 submissions from 3 submitters: Uncertain significance (3). Last evaluated 2026-01-11.

Conditions:
Brugada syndrome 8 (BRGDA8). Identifiers: Orphanet 130, MedGen C2751083, MONDO:0013148, OMIM 613123.
Cardiovascular phenotype. Identifiers: MedGen CN230736.

Allele frequency attached by ClinVar (database versions not stated): TOPMed 0.00002.
gnomAD v4.1: 29 of 1,367,188 alleles (0.0021%); highest among the groups gnomAD compares: Non-Finnish European, 0.0027%; no homozygotes.

Submissions (3):

Labcorp Genetics (formerly Invitae), Labcorp
Classification: Uncertain significance for Brugada syndrome 8. Last evaluated: 2026-01-11. Review status: criteria provided, single submitter. Criteria: Invitae Variant Classification Sherloc (09022015). Collection method: clinical testing. Allele origin: germline.
Comment: This sequence change replaces glycine, which is neutral and non-polar, with arginine, which is basic and polar, at codon 114 of the HCN4 protein (p.Gly114Arg). This variant is not present in population databases (gnomAD no frequency). This variant has not been reported in the literature in individuals affected with HCN4-related conditions. ClinVar contains an entry for this variant (Variation ID: 2413512). Invitae Evidence Modeling of protein sequence and biophysical properties (such as structural, functional, and spatial information, amino acid conservation, physicochemical variation, residue mobility, and thermodynamic stability) indicates that this missense variant is not expected to disrupt HCN4 protein function with a negative predictive value of 95%. In summary, the available evidence is currently insufficient to determine the role of this variant in disease. Therefore, it has been classified as a Variant of Uncertain Significance.

GeneDx
Classification: Uncertain significance. Last evaluated: 2025-03-18. Review status: criteria provided, single submitter. Criteria: GeneDx Variant Classification Process June 2021. Collection method: clinical testing. Allele origin: germline. Affected: yes.
Comment: Not observed at significant frequency in large population cohorts (gnomAD); In silico analysis indicates that this missense variant does not alter protein structure/function; Has not been previously published as pathogenic or benign to our knowledge

Ambry Genetics
Classification: Uncertain significance for Cardiovascular phenotype. Last evaluated: 2024-01-16. Review status: criteria provided, single submitter. Criteria: Ambry Variant Classification Scheme 2023. Collection method: clinical testing. Allele origin: germline.
Comment: The p.G114R variant (also known as c.340G>A), located in coding exon 1 of the HCN4 gene, results from a G to A substitution at nucleotide position 340. The glycine at codon 114 is replaced by arginine, an amino acid with dissimilar properties. This amino acid position is conserved. In addition, the in silico prediction for this alteration is inconclusive. Since supporting evidence is limited at this time, the clinical significance of this alteration remains unclear.

NM_005477.3(HCN4):c.340G>A (p.Gly114Arg)

Gene: HCN4 (hyperpolarization activated cyclic nucleotide gated potassium channel 4; minus strand). Cytogenetic location: 15q24.1.
Variant type: single nucleotide variant.
Coding change: c.340G>A on transcript NM_005477.3 (MANE Select); coding-DNA position 340, G replaced by A.
Protein change: p.Gly114Arg; replaces glycine 114 with arginine.
Molecular consequence: missense variant.
Genome position (GRCh38, 1-based): chr15:73,367,931, C>T on the plus strand (G>A on the coding strand, the complement: HCN4 is on the minus strand). VCF-style: chr15-73367931-C-T. GRCh37 (hg19) VCF-style: chr15-73660272-C-T.
Other names: c.340G>A (NM_005477.2); short protein forms G114R.
Identifiers: ClinVar variation 2413512 (VCV002413512.8), dbSNP rs1029095969, ClinGen allele CA272700394.